The following is an entry in ClinVar:

NM_016169.4(SUFU):c.556C>T (p.Gln186Ter)

Gene: SUFU (SUFU negative regulator of hedgehog signaling; plus strand). Cytogenetic location: 10q24.32.
Variant type: single nucleotide variant.
Coding change: c.556C>T on transcript NM_016169.4 (MANE Select); coding-DNA position 556, C replaced by T.
Protein change: p.Gln186Ter; replaces glutamine 186 with a stop codon.
Molecular consequence: nonsense.
Genome position (GRCh38, 1-based): chr10:102,592,683, C>T. VCF-style: chr10-102592683-C-T. GRCh37 (hg19) VCF-style: chr10-104352440-C-T.
Other names: c.556C>T, p.Gln186Ter (NM_001178133.2); short protein forms Q186*.
Identifiers: ClinVar variation 2151018 (VCV002151018.4), dbSNP rs2135867131, ClinGen allele CA377908550.

ClinVar aggregate classification (germline): Pathogenic (1 of 4 stars; one submission).

Conditions:
Gorlin syndrome. Also called: Nevoid Basal Cell Carcinoma Syndrome; Basal cell nevus syndrome. Identifiers: Orphanet 377, MedGen C0004779, MONDO:0007187.
Medulloblastoma (MDB). Also called: Medulloblastoma, somatic; MEDULLOBLASTOMA PREDISPOSITION SYNDROME. Identifiers: Orphanet 616, MedGen C0025149, MeSH D008527, MONDO:0007959, OMIM 155255, HP:0002885.

Submission:

Labcorp Genetics (formerly Invitae), Labcorp
Classification: Pathogenic for Gorlin syndrome; Medulloblastoma. Last evaluated: 2022-04-28. Review status: criteria provided, single submitter. Criteria: Invitae Variant Classification Sherloc (09022015). Collection method: clinical testing. Allele origin: germline.
Comment: Algorithms developed to predict the effect of sequence changes on RNA splicing suggest that this variant may create or strengthen a splice site. For these reasons, this variant has been classified as Pathogenic. This sequence change creates a premature translational stop signal (p.Gln186*) in the SUFU gene. It is expected to result in an absent or disrupted protein product. Loss-of-function variants in SUFU are known to be pathogenic (PMID: 22508808, 25403219). This variant is not present in population databases (gnomAD no frequency). This variant has not been reported in the literature in individuals affected with SUFU-related conditions.

Literature cited by the submitters: PubMed 22508808; PubMed 25403219.